The following is an entry in ClinVar:

ClinVar aggregate classification (germline): Uncertain significance (0 of 4 stars; one submission).

Conditions:
AXL-related disorder. Also called: AXL-related condition.

Submission:

PreventionGenetics, part of Exact Sciences
Classification: Uncertain significance for AXL-related condition. Last evaluated: 2024-06-04. Review status: no assertion criteria provided. Collection method: clinical testing. Allele origin: germline.
Comment: The AXL c.571_572delinsCC variant is predicted to result in an in-frame deletion and insertion. To our knowledge, this variant has not been reported in the literature or in a large population database, indicating this variant is rare. At this time, the clinical significance of this variant is uncertain due to the absence of conclusive functional and genetic evidence.

NM_021913.5(AXL):c.571_572delinsCC (p.Ser191Pro)

Gene: AXL (AXL receptor tyrosine kinase; plus strand). Cytogenetic location: 19q13.2.
Variant type: Indel.
Coding change: c.571_572delinsCC on transcript NM_021913.5 (MANE Select); coding-DNA positions 571 to 572, AG replaced by CC.
Protein change: p.Ser191Pro; replaces serine 191 with proline.
Molecular consequence: missense variant.
Genome position (GRCh38, 1-based): chr19:41,222,041-41,222,042, AG replaced by CC. VCF-style: chr19-41222041-AG-CC. GRCh37 (hg19) VCF-style: chr19-41727946-AG-CC.
Other names: c.571_572delinsCC, p.Ser191Pro (NM_001699.6); short protein forms S191P.
Identifiers: ClinVar variation 3061158 (VCV003061158.2), dbSNP rs2516390060, ClinGen allele CA2740096913.